The following is an entry in ClinVar:

ClinVar aggregate classification (germline): Pathogenic (1 of 4 stars; one submission).

Conditions:
Familial thoracic aortic aneurysm and aortic dissection (TAAD). Also called: Thoracic aortic aneurysms and dissections. Identifiers: Orphanet 91387, MedGen C4707243, MONDO:0019625.

Submission:

Ambry Genetics
Classification: Pathogenic for Familial thoracic aortic aneurysm and aortic dissection. Last evaluated: 2025-05-14. Review status: criteria provided, single submitter. Criteria: Ambry Variant Classification Scheme 2023. Collection method: clinical testing. Allele origin: germline.
Comment: The c.1369_1375delCGCTATC pathogenic mutation, located in coding exon 11 of the FBN1 gene, results from a deletion of 7 nucleotides at nucleotide positions 1369 to 1375, causing a translational frameshift with a predicted alternate stop codon (p.R457Sfs*120). This variant was reported in individual(s) with features consistent with Marfan syndrome (Ambry internal data). This variant is considered to be rare based on population cohorts in the Genome Aggregation Database (gnomAD). This alteration is expected to result in loss of function by premature protein truncation or nonsense-mediated mRNA decay. As such, this alteration is interpreted as a disease-causing mutation.

NM_000138.5(FBN1):c.1369_1375del (p.Arg457fs)

Gene: FBN1 (fibrillin 1; minus strand). Cytogenetic location: 15q21.1.
Variant type: Deletion.
Coding change: c.1369_1375del on transcript NM_000138.5 (MANE Select); coding-DNA positions 1369 to 1375, 7 bases deleted (CGCTATC; older notation c.1369_1375delCGCTATC).
Protein change: p.Arg457fs; shifts the reading frame from arginine 457.
Molecular consequence: frameshift variant.
Genome position (GRCh38, 1-based): chr15:48,515,480-48,515,486, GATAGCG deleted on the plus strand (CGCTATC on the coding strand, the reverse complement: FBN1 is on the minus strand); deleting any 7 consecutive bases within chr15:48,515,480-48,515,488 gives the same sequence; the c. name uses the placement nearest the transcript's 3' end. VCF-style (leftmost placement, unchanged base first): chr15-48515479-AGATAGCG-A. GRCh37 (hg19) VCF-style: chr15-48807676-AGATAGCG-A.
Other names: c.1369_1375delCGCTATC (NM_000138.4); c.1369_1375del, p.Arg457fs (NM_001406716.1); short protein forms R457fs.
Identifiers: ClinVar variation 4023428 (VCV004023428.1).